The following is an entry in ClinVar:

ClinVar aggregate classification (germline): Uncertain significance. Review status: criteria provided, multiple submitters, no conflicts (2 of 4 stars). 2 submissions from 2 submitters: Uncertain significance (2). Last evaluated 2025-06-17.

Conditions:
Primary ciliary dyskinesia. Also called: Ciliary dyskinesia. Identifiers: Orphanet 244, MedGen C0008780, MONDO:0016575, HP:0012265.

Allele frequency attached by ClinVar (database versions not stated): gnomAD exomes below 0.00001.
gnomAD v4.1: 3 of 868,218 alleles (0.00035%); highest among the groups gnomAD compares: South Asian, 0.0075%; no homozygotes.

Submissions (2):

Labcorp Genetics (formerly Invitae), Labcorp
Classification: Uncertain significance for Primary ciliary dyskinesia. Last evaluated: 2025-06-17. Review status: criteria provided, single submitter. Criteria: Invitae Variant Classification Sherloc (09022015). Collection method: clinical testing. Allele origin: germline.
Comment: This sequence change replaces glycine, which is neutral and non-polar, with arginine, which is basic and polar, at codon 928 of the RPGR (ORF15) protein (p.Gly928Arg). The frequency data for this variant in the population databases is considered unreliable, as metrics indicate insufficient coverage at this position in the gnomAD database. This variant has not been reported in the literature in individuals affected with RPGR (ORF15)-related conditions. ClinVar contains an entry for this variant (Variation ID: 2113286). Invitae Evidence Modeling of protein sequence and biophysical properties (such as structural, functional, and spatial information, amino acid conservation, physicochemical variation, residue mobility, and thermodynamic stability) indicates that this missense variant is not expected to disrupt RPGR (ORF15) protein function with a negative predictive value of 95%. In summary, the available evidence is currently insufficient to determine the role of this variant in disease. Therefore, it has been classified as a Variant of Uncertain Significance.

PreventionGenetics, part of Exact Sciences
Classification: Uncertain significance. Last evaluated: 2019-11-06. Review status: criteria provided, single submitter. Criteria: ACMG Guidelines, 2015. Collection method: clinical testing. Allele origin: germline.

NM_001034853.2(RPGR):c.2782G>A (p.Gly928Arg)

Gene: RPGR (retinitis pigmentosa GTPase regulator; minus strand). Cytogenetic location: Xp11.4.
Variant type: single nucleotide variant.
Coding change: c.2782G>A on transcript NM_001034853.2 (MANE Select); coding-DNA position 2782, G replaced by A.
Protein change: p.Gly928Arg; replaces glycine 928 with arginine.
Molecular consequence: missense variant. On other transcripts: intron variant (8).
Genome position (GRCh38, 1-based): chrX:38,286,217, C>T on the plus strand (G>A on the coding strand, the complement: RPGR is on the minus strand). VCF-style: chrX-38286217-C-T. GRCh37 (hg19) VCF-style: chrX-38145470-C-T.
Other names: c.2782G>A (NM_001034853.1); c.1569+4742G>A (NM_001367249.1, NM_001367250.1); c.1902+877G>A (NM_001367245.1); c.1386+4742G>A (NM_001367251.1); c.1719+877G>A (NM_001367246.1); c.1572+4742G>A (NM_001367247.1); c.1905+877G>A (NM_000328.3); c.1602+4742G>A (NM_001367248.1); short protein forms G928R.
Identifiers: ClinVar variation 2113286 (VCV002113286.6), dbSNP rs2519787093, ClinGen allele CA412729792.